The following is an entry in ClinVar:

ClinVar aggregate classification (germline): Pathogenic/Likely pathogenic. Review status: criteria provided, multiple submitters, no conflicts (2 of 4 stars). 3 submissions from 3 submitters: Pathogenic (1); Likely pathogenic (2). Last evaluated 2025-03-13.

Conditions:
Microcephalic primordial dwarfism due to RTTN deficiency (MSSP). Also called: Microcephaly, short stature, and polymicrogyria with or without seizures; MICROCEPHALY, SHORT STATURE, AND POLYMICROGYRIA. Identifiers: Orphanet 468631, MedGen C3553831, MONDO:0018764, OMIM 614833.

Allele frequency attached by ClinVar (database versions not stated): ExAC 0.00003; gnomAD exomes 0.00004 and 0.00006; gnomAD 0.00005.
gnomAD v4.1: 92 of 1,614,068 alleles (0.0057%); highest among the groups gnomAD compares: Non-Finnish European, 0.0071%; no homozygotes.

Submissions (3):

GeneDx
Classification: Likely pathogenic. Last evaluated: 2025-03-13. Review status: criteria provided, single submitter. Criteria: GeneDx Variant Classification Process June 2021. Collection method: clinical testing. Allele origin: germline. Affected: yes.
Comment: Nonsense variant predicted to result in protein truncation or nonsense mediated decay in a gene for which loss of function is a known mechanism of disease; Not observed at significant frequency in large population cohorts (gnomAD); Has not been previously published as pathogenic or benign to our knowledge

Labcorp Genetics (formerly Invitae), Labcorp
Classification: Pathogenic. Last evaluated: 2024-11-25. Review status: criteria provided, single submitter. Criteria: Invitae Variant Classification Sherloc (09022015). Collection method: clinical testing. Allele origin: germline.
Comment: This sequence change creates a premature translational stop signal (p.Glu30*) in the RTTN gene. It is expected to result in an absent or disrupted protein product. Loss-of-function variants in RTTN are known to be pathogenic (PMID: 26608784, 26846091). This variant is present in population databases (rs200495808, gnomAD 0.009%). This variant has not been reported in the literature in individuals affected with RTTN-related conditions. ClinVar contains an entry for this variant (Variation ID: 1070289). For these reasons, this variant has been classified as Pathogenic.

Revvity Omics, Revvity
Classification: Likely pathogenic for Microcephalic primordial dwarfism due to RTTN deficiency. Last evaluated: 2024-09-06. Review status: criteria provided, single submitter. Criteria: ACMG Guidelines, 2015. Collection method: clinical testing. Allele origin: germline.

Literature cited by the submitters: PubMed 26608784 (cited by Labcorp Genetics (formerly Invitae), Labcorp); PubMed 26846091 (cited by Labcorp Genetics (formerly Invitae), Labcorp).

NM_173630.4(RTTN):c.88G>T (p.Glu30Ter)

Gene: RTTN (rotatin; minus strand). Cytogenetic location: 18q22.2.
Variant type: single nucleotide variant.
Coding change: c.88G>T on transcript NM_173630.4 (MANE Select); coding-DNA position 88, G replaced by T.
Protein change: p.Glu30Ter; replaces glutamic acid 30 with a stop codon.
Molecular consequence: nonsense. On other transcripts: 5 prime UTR variant (1).
Genome position (GRCh38, 1-based): chr18:70,205,259, C>A on the plus strand (G>T on the coding strand, the complement: RTTN is on the minus strand). VCF-style: chr18-70205259-C-A. GRCh37 (hg19) VCF-style: chr18-67872495-C-A.
Other names: c.-2466G>T (NM_001318520.2); short protein forms E30*.
Identifiers: ClinVar variation 1070289 (VCV001070289.11), dbSNP rs200495808, ClinGen allele CA8996586.